The following is an entry in ClinVar:

ClinVar aggregate classification (germline): Uncertain significance (1 of 4 stars; one submission).

Submission:

Ambry Genetics
Classification: Uncertain significance. Last evaluated: 2025-11-26. Review status: criteria provided, single submitter. Criteria: Ambry Variant Classification Scheme 2023. Collection method: clinical testing. Allele origin: germline.
Comment: The p.Y348C variant (also known as c.1043A>G), located in coding exon 9 of the GEN1 gene, results from an A to G substitution at nucleotide position 1043. The tyrosine at codon 348 is replaced by cysteine, an amino acid with highly dissimilar properties. This amino acid position is conserved. In addition, this alteration is predicted to be tolerated by in silico analysis. Based on the available evidence, the clinical significance of this variant remains unclear.

NM_001130009.3(GEN1):c.1043A>G (p.Tyr348Cys)

Gene: GEN1 (GEN1 structure-specific endonuclease; plus strand). Cytogenetic location: 2p24.2.
Variant type: single nucleotide variant.
Coding change: c.1043A>G on transcript NM_001130009.3 (MANE Select); coding-DNA position 1043, A replaced by G.
Protein change: p.Tyr348Cys; replaces tyrosine 348 with cysteine.
Molecular consequence: missense variant.
Genome position (GRCh38, 1-based): chr2:17,773,271, A>G. VCF-style: chr2-17773271-A-G. GRCh37 (hg19) VCF-style: chr2-17954538-A-G.
Other names: c.1043A>G, p.Tyr348Cys (NM_182625.5); short protein forms Y348C.
Identifiers: ClinVar variation 4671514 (VCV004671514.1).
Genomic context (GRCh38, chr2:17,773,271, plus strand): 5'-CTTGCTAGGTTATTCAAGAATTCCTTTTAAACAAGGATAAATTGGTGAAGGTTATCAGGT[A>G]CCAAAGACCTGATTTGTTATTGTTTCAGGTATCTGAAAATAAATTCTTCTTTACTGTATG-3'
Protein context (NP_001123481.3, residues 338-358): NKDKLVKVIR[Tyr348Cys]QRPDLLLFQR